The following is an entry in ClinVar:

ClinVar aggregate classification (germline): Uncertain significance (1 of 4 stars; one submission).

Conditions:
Aicardi-Goutieres syndrome 3. Identifiers: Orphanet 51, MedGen C1835916, MONDO:0012471, OMIM 610329.

Submission:

Labcorp Genetics (formerly Invitae), Labcorp
Classification: Uncertain significance for Aicardi-Goutieres syndrome 3. Last evaluated: 2021-03-20. Review status: criteria provided, single submitter. Criteria: Invitae Variant Classification Sherloc (09022015). Collection method: clinical testing. Allele origin: germline.
Comment: In summary, the available evidence is currently insufficient to determine the role of this variant in disease. Therefore, it has been classified as a Variant of Uncertain Significance. Algorithms developed to predict the effect of missense changes on protein structure and function are either unavailable or do not agree on the potential impact of this missense change (SIFT: "Deleterious"; PolyPhen-2: "Probably Damaging"; Align-GVGD: "Class C0"). This variant has not been reported in the literature in individuals with RNASEH2C-related conditions. This variant is not present in population databases (ExAC no frequency). This sequence change replaces valine with alanine at codon 161 of the RNASEH2C protein (p.Val161Ala). The valine residue is highly conserved and there is a small physicochemical difference between valine and alanine.

NM_032193.4(RNASEH2C):c.482T>C (p.Val161Ala)

Gene: RNASEH2C (ribonuclease H2 subunit C; minus strand). Cytogenetic location: 11q13.1.
Variant type: single nucleotide variant.
Coding change: c.482T>C on transcript NM_032193.4 (MANE Select); coding-DNA position 482, T replaced by C.
Protein change: p.Val161Ala; replaces valine 161 with alanine.
Molecular consequence: missense variant.
Genome position (GRCh38, 1-based): chr11:65,719,796, A>G on the plus strand (T>C on the coding strand, the complement: RNASEH2C is on the minus strand). VCF-style: chr11-65719796-A-G. GRCh37 (hg19) VCF-style: chr11-65487267-A-G.
Other names: short protein forms V161A.
Identifiers: ClinVar variation 1517718 (VCV001517718.8), dbSNP rs2135651271, ClinGen allele CA381293614.